The following is an entry in ClinVar:

ClinVar aggregate classification (germline): Likely benign. Review status: criteria provided, single submitter (1 of 4 stars). 2 submissions from 2 submitters: Likely benign (1). 1 of the submissions does not count toward it. Last evaluated 2024-05-14.

Conditions:
KIF1B-related disorder. Also called: KIF1B-related condition.

Allele frequency attached by ClinVar (database versions not stated): TOPMed 0.00005; gnomAD 0.00006; ExAC 0.00011.
gnomAD v4.1: 92 of 1,611,110 alleles (0.0057%); highest among the groups gnomAD compares: East Asian, 0.047%; no homozygotes.

Submissions (2):

Blueprint Genetics
Classification: Likely benign. Last evaluated: 2024-05-14. Review status: criteria provided, single submitter. Criteria: ACMG Guidelines, 2015. Collection method: clinical testing. Allele origin: germline.

PreventionGenetics, part of Exact Sciences
Classification: Likely benign for KIF1B-related condition. Last evaluated: 2022-06-30. Review status: no assertion criteria provided. Collection method: clinical testing. Allele origin: germline. Not counted in ClinVar's aggregate classification.
Comment: This variant is classified as likely benign based on ACMG/AMP sequence variant interpretation guidelines (Richards et al. 2015 PMID: 25741868, with internal and published modifications).

NM_001365951.3(KIF1B):c.2115+5921C>T

Gene: KIF1B (kinesin family member 1B; plus strand). Cytogenetic location: 1p36.22.
Variant type: single nucleotide variant.
Coding change: c.2115+5921C>T on transcript NM_001365951.3 (MANE Select); 5921 bases into the intron after coding-DNA position 2115, C replaced by T.
Molecular consequence: intron variant. On other transcripts: missense variant (2).
Genome position (GRCh38, 1-based): chr1:10,303,167, C>T. VCF-style: chr1-10303167-C-T. GRCh37 (hg19) VCF-style: chr1-10363225-C-T.
Other names: c.1982C>T, p.Ala661Val (NM_001365953.1, NM_183416.4); c.1977+5921C>T (NM_015074.3); c.2115+5921C>T (NM_001365952.1); short protein forms A661V.
Identifiers: ClinVar variation 3057258 (VCV003057258.3), dbSNP rs775334360, ClinGen allele CA581173.